The following is an entry in ClinVar:

ClinVar aggregate classification (germline): Conflicting classifications of pathogenicity. Review status: criteria provided, conflicting classifications (1 of 4 stars). 4 submissions from 4 submitters: Uncertain significance (3); Likely benign (1). Last evaluated 2024-12-19.

Conditions:
Seckel syndrome 2 (SCKL2). Also called: MICROCEPHALIC PRIMORDIAL DWARFISM 2; SECKEL-TYPE DWARFISM 2. Identifiers: Orphanet 808, MedGen C1847572, MONDO:0011715, OMIM 606744.
Jawad syndrome (JWDS). Also called: KELLY SYNDROME; MICROCEPHALY WITH IMPAIRED INTELLECTUAL DEVELOPMENT AND DIGITAL ANOMALIES. Identifiers: Orphanet 313795, MedGen C0796063, MONDO:0009622, OMIM 251255.

Submissions (4):

Genomic Medicine Center of Excellence, King Faisal Specialist Hospital and Research Centre
Classification: Uncertain significance for Seckel syndrome 2. Last evaluated: 2024-12-19. Review status: criteria provided, single submitter. Criteria: ACMG Guidelines, 2015. Collection method: clinical testing. Allele origin: germline.

3billion
Classification: Likely benign for Jawad syndrome; Seckel syndrome 2. Last evaluated: 2024-09-20. Review status: criteria provided, single submitter. Criteria: ACMG Guidelines, 2015. Collection method: clinical testing. Allele origin: germline. Affected: no.
Comment: The homozygous variant was found in patients diagnosed with another variant in a different gene, with no symptoms related to the gene containing the homozygous variant.

Labcorp Genetics (formerly Invitae), Labcorp
Classification: Uncertain significance. Last evaluated: 2024-04-25. Review status: criteria provided, single submitter. Criteria: Invitae Variant Classification Sherloc (09022015). Collection method: clinical testing. Allele origin: germline.
Comment: This variant, c.1223_1228del, results in the deletion of 2 amino acid(s) of the RBBP8 protein (p.Ile408_Asn409del), but otherwise preserves the integrity of the reading frame. This variant is present in population databases (rs757747543, gnomAD 0.006%). This variant has not been reported in the literature in individuals affected with RBBP8-related conditions. ClinVar contains an entry for this variant (Variation ID: 436511). Experimental studies and prediction algorithms are not available or were not evaluated, and the functional significance of this variant is currently unknown. In summary, the available evidence is currently insufficient to determine the role of this variant in disease. Therefore, it has been classified as a Variant of Uncertain Significance.

Genetic Services Laboratory, University of Chicago
Classification: Uncertain significance. Last evaluated: 2016-01-07. Review status: criteria provided, single submitter. Criteria: ACMG Guidelines, 2015. Collection method: clinical testing. Allele origin: germline. Affected: no.

NM_002894.3(RBBP8):c.1223_1228del (p.Ile408_Asn409del)

Gene: RBBP8 (RB binding protein 8, endonuclease; plus strand). Cytogenetic location: 18q11.2.
Variant type: Deletion.
Coding change: c.1223_1228del on transcript NM_002894.3 (MANE Select); coding-DNA positions 1223 to 1228, 6 bases deleted (TAAATA; older notation c.1223_1228delTAAATA).
Protein change: p.Ile408_Asn409del.
Molecular consequence: inframe deletion.
Genome position (GRCh38, 1-based): chr18:22,993,050-22,993,055, TAAATA deleted; deleting any 6 consecutive bases within chr18:22,993,048-22,993,055 gives the same sequence; the c. name uses the placement nearest the transcript's 3' end. VCF-style (leftmost placement, unchanged base first): chr18-22993047-TTATAAA-T. GRCh37 (hg19) VCF-style: chr18-20573010-TTATAAA-T.
Other names: c.1223_1228del, p.Ile408_Asn409del (NM_203291.2, NM_203292.2).
Identifiers: ClinVar variation 436511 (VCV000436511.10), dbSNP rs757747543, ClinGen allele CA8910033.